The following is an entry in ClinVar:

NM_007194.4(CHEK2):c.1054A>T (p.Asn352Tyr)

Gene: CHEK2 (checkpoint kinase 2; minus strand). Cytogenetic location: 22q12.1.
Variant type: single nucleotide variant.
Coding change: c.1054A>T on transcript NM_007194.4 (MANE Select); coding-DNA position 1054, A replaced by T.
Protein change: p.Asn352Tyr; replaces asparagine 352 with tyrosine.
Molecular consequence: missense variant. On other transcripts: intron variant (3).
Genome position (GRCh38, 1-based): chr22:28,696,942, T>A on the plus strand (A>T on the coding strand, the complement: CHEK2 is on the minus strand). VCF-style: chr22-28696942-T-A. GRCh37 (hg19) VCF-style: chr22-29092930-T-A.
Other names: c.1183A>T, p.Asn395Tyr (NM_001005735.3); c.391A>T, p.Asn131Tyr (NM_001257387.3, NM_001437942.1); c.853A>T, p.Asn285Tyr (NM_001349956.3); c.1147A>T, p.Asn383Tyr (NM_001438293.1); c.1009-1069A>T (NM_145862.3); c.1102-1069A>T (NM_001438295.1); c.1138-1069A>T (NM_001438294.1); short protein forms N131Y, N395Y, N285Y, N352Y, N383Y.
Identifiers: ClinVar variation 822086 (VCV000822086.15), dbSNP rs1361935182, ClinGen allele CA411097652.

ClinVar aggregate classification (germline): Uncertain significance. Review status: criteria provided, multiple submitters, no conflicts (2 of 4 stars). 3 submissions from 3 submitters: Uncertain significance (3). Last evaluated 2025-09-19.

Conditions:
Familial cancer of breast. Also called: BREAST CANCER, FAMILIAL; Hereditary breast cancer; hereditary breast carcinoma. Identifiers: Orphanet 227535, MedGen C0346153, MONDO:0016419, OMIM 114480. Disease mechanism: loss of function.
Hereditary cancer-predisposing syndrome. Also called: Tumor predisposition; Hereditary Cancer Syndrome; Neoplastic Syndromes, Hereditary; Hereditary neoplastic syndrome. Identifiers: Orphanet 140162, MedGen C0027672, MeSH D009386, MONDO:0015356.

gnomAD v4.1: 1 of 1,613,578 alleles (0.000062%); highest among the groups gnomAD compares: Non-Finnish European, 0.000085%; no homozygotes.

Submissions (3):

Ambry Genetics
Classification: Uncertain significance for Hereditary cancer-predisposing syndrome. Last evaluated: 2025-09-19. Review status: criteria provided, single submitter. Criteria: Ambry Variant Classification Scheme 2023. Collection method: clinical testing. Allele origin: germline.
Comment: The p.N352Y variant (also known as c.1054A>T), located in coding exon 9 of the CHEK2 gene, results from an A to T substitution at nucleotide position 1054. The asparagine at codon 352 is replaced by tyrosine, an amino acid with dissimilar properties. In one case control study, this alteration was identified in 1/1303 female probands with early-onset breast cancer and in none of 1109 healthy matched controls (Le Calvez-Kelm F et al. Breast Cancer Res. 2011 Jan;13(1):R). This amino acid position is highly conserved in available vertebrate species. In addition, this alteration is predicted to be deleterious by in silico analysis. Since supporting evidence is limited at this time, the clinical significance of this alteration remains unclear.

Women's Health and Genetics/Laboratory Corporation of America, LabCorp
Classification: Uncertain significance. Last evaluated: 2023-11-06. Review status: criteria provided, single submitter. Criteria: LabCorp Variant Classification Summary - May 2015. Collection method: clinical testing. Allele origin: germline.
Comment: Variant summary: CHEK2 c.1054A>T (p.Asn352Tyr) results in a non-conservative amino acid change in the encoded protein sequence. Five of five in-silico tools predict a damaging effect of the variant on protein function. The variant was absent in 251292 control chromosomes. The available data on variant occurrences in the general population are insufficient to allow any conclusion about variant significance. c.1054A>T has been reported in the literature in at least one individual affected with breast cancer without evidence for causality (e.g. LeCalvez-Kelm_2011). These report(s) do not provide unequivocal conclusions about association of the variant with Hereditary Breast And Ovarian Cancer Syndrome. To our knowledge, no experimental evidence demonstrating an impact on protein function has been reported. Two submitters have cited clinical-significance assessments for this variant to ClinVar after 2014. All submitters classified the variant as uncertain significance. Based on the evidence outlined above, the variant was classified as uncertain significance.

Labcorp Genetics (formerly Invitae), Labcorp
Classification: Uncertain significance for Familial cancer of breast. Last evaluated: 2022-05-12. Review status: criteria provided, single submitter. Criteria: Invitae Variant Classification Sherloc (09022015). Collection method: clinical testing. Allele origin: germline.
Comment: In summary, the available evidence is currently insufficient to determine the role of this variant in disease. Therefore, it has been classified as a Variant of Uncertain Significance. Algorithms developed to predict the effect of sequence changes on RNA splicing suggest that this variant may create or strengthen a splice site. This sequence change replaces asparagine, which is neutral and polar, with tyrosine, which is neutral and polar, at codon 352 of the CHEK2 protein (p.Asn352Tyr). This variant is not present in population databases (gnomAD no frequency). This missense change has been observed in individual(s) with breast cancer (PMID: 21244692). ClinVar contains an entry for this variant (Variation ID: 822086). Algorithms developed to predict the effect of missense changes on protein structure and function are either unavailable or do not agree on the potential impact of this missense change (SIFT: "Deleterious"; PolyPhen-2: "Probably Damaging"; Align-GVGD: "Class C15").

Literature cited by the submitters: PubMed 21244692 (cited by Women's Health and Genetics/Laboratory Corporation of America, LabCorp and Labcorp Genetics (formerly Invitae), Labcorp).